The following is an entry in ClinVar:

NM_000090.4(COL3A1):c.194T>C (p.Ile65Thr)

Gene: COL3A1 (collagen type III alpha 1 chain; plus strand). Cytogenetic location: 2q32.2.
Variant type: single nucleotide variant.
Coding change: c.194T>C on transcript NM_000090.4 (MANE Select); coding-DNA position 194, T replaced by C.
Protein change: p.Ile65Thr; replaces isoleucine 65 with threonine.
Molecular consequence: missense variant.
Genome position (GRCh38, 1-based): chr2:188,984,874, T>C. VCF-style: chr2-188984874-T-C. GRCh37 (hg19) VCF-style: chr2-189849600-T-C.
Other names: short protein forms I65T.
Identifiers: ClinVar variation 928100 (VCV000928100.5), dbSNP rs1050728178, ClinGen allele CA62585446.

ClinVar aggregate classification (germline): Uncertain significance. Review status: criteria provided, multiple submitters, no conflicts (2 of 4 stars). 2 submissions from 2 submitters: Uncertain significance (2). Last evaluated 2025-07-30.

Conditions:
Familial thoracic aortic aneurysm and aortic dissection (TAAD). Also called: Thoracic aortic aneurysms and dissections. Identifiers: Orphanet 91387, MedGen C4707243, MONDO:0019625.
Ehlers-Danlos syndrome, type 4 (EDSVASC). Also called: Ehlers-Danlos syndrome vascular type; Ehlers Danlos syndrome, ecchymotic type; Ehlers Danlos syndrome, arterial type; Ehlers Danlos syndrome, Sack-Barabas type; Ehlers-Danlos Syndrome Type IV. Identifiers: Orphanet 286, MedGen C0268338, MONDO:0017314, OMIM 130050.

Allele frequency attached by ClinVar (database versions not stated): gnomAD exomes below 0.00001; TOPMed below 0.00001; gnomAD 0.00001.

Submissions (2):

Labcorp Genetics (formerly Invitae), Labcorp
Classification: Uncertain significance for Ehlers-Danlos syndrome, type 4. Last evaluated: 2025-07-30. Review status: criteria provided, single submitter. Criteria: Invitae Variant Classification Sherloc (09022015). Collection method: clinical testing. Allele origin: germline.
Comment: This sequence change replaces isoleucine, which is neutral and non-polar, with threonine, which is neutral and polar, at codon 65 of the COL3A1 protein (p.Ile65Thr). This variant is not present in population databases (gnomAD no frequency). This variant has not been reported in the literature in individuals affected with COL3A1-related conditions. ClinVar contains an entry for this variant (Variation ID: 928100). Invitae Evidence Modeling of protein sequence and biophysical properties (such as structural, functional, and spatial information, amino acid conservation, physicochemical variation, residue mobility, and thermodynamic stability) indicates that this missense variant is not expected to disrupt COL3A1 protein function with a negative predictive value of 95%. In summary, the available evidence is currently insufficient to determine the role of this variant in disease. Therefore, it has been classified as a Variant of Uncertain Significance.

Color Diagnostics, LLC DBA Color Health
Classification: Uncertain significance for Familial thoracic aortic aneurysm and aortic dissection. Last evaluated: 2024-03-11. Review status: criteria provided, single submitter. Criteria: ACMG Guidelines, 2015. Collection method: clinical testing. Allele origin: germline.
Comment: This missense variant replaces isoleucine with threonine at codon 65 of the COL3A1 protein. Computational prediction suggests that this variant may not impact protein structure and function (internally defined REVEL score threshold <= 0.5, PMID: 27666373). To our knowledge, functional studies have not been reported for this variant. This variant has not been reported in individuals affected with COL3A1-related disorders in the literature. This variant has not been identified in the general population by the Genome Aggregation Database (gnomAD). The available evidence is insufficient to determine the role of this variant in disease conclusively. Therefore, this variant is classified as a Variant of Uncertain Significance.